The following is an entry in ClinVar:

NM_001379291.1(BRD4):c.2158+437C>T

Gene: BRD4 (bromodomain containing 4; minus strand). Cytogenetic location: 19p13.12.
Variant type: single nucleotide variant.
Coding change: c.2158+437C>T on transcript NM_001379291.1 (MANE Select); 437 bases into the intron after coding-DNA position 2158, C replaced by T.
Molecular consequence: intron variant. On other transcripts: missense variant (1).
Genome position (GRCh38, 1-based): chr19:15,253,715, G>A on the plus strand (C>T on the coding strand, the complement: BRD4 is on the minus strand). VCF-style: chr19-15253715-G-A. GRCh37 (hg19) VCF-style: chr19-15364526-G-A.
Other names: c.2227C>T, p.Arg743Cys (NM_001330384.2); c.2158+437C>T (NM_058243.3, NM_001379292.1, NM_014299.3); short protein forms R743C.
Identifiers: ClinVar variation 3341653 (VCV003341653.16).
Genomic context (GRCh38, chr19:15,253,715, plus strand): 5'-GCTGGCCAGCTGCAGTCTGCTCCACATCCACCAGAAACCAGCGAAGCATCTCCCTGAAGC[G>A]GCCGCACTGCACGTGACTGTGATACGGGGAAGGCCCTGGGGACACGAAGTCTCCACTGGT-3'

ClinVar aggregate classification (germline): Likely benign (1 of 4 stars; one submission).

gnomAD v4.1: 445 of 1,598,418 alleles (0.028%); highest among the groups gnomAD compares: South Asian, 0.28%; 5 homozygotes.

Submission:

CeGaT Center for Human Genetics Tuebingen
Classification: Likely benign. Last evaluated: 2024-08-01. Review status: criteria provided, single submitter. Criteria: CeGaT Center For Human Genetics Tuebingen Variant Classification Criteria Version 2. Collection method: clinical testing. Allele origin: germline. Affected: yes. Observed: 1 variant allele.
Comment: BRD4: BP4, BS1